The following is an entry in ClinVar:

ClinVar aggregate classification (germline): Uncertain significance (1 of 4 stars; one submission).

gnomAD v4.1: 9 of 1,602,430 alleles (0.00056%); highest among the groups gnomAD compares: South Asian, 0.0011%; no homozygotes.

Submission:

CeGaT Center for Human Genetics Tuebingen
Classification: Uncertain significance. Last evaluated: 2025-01-01. Review status: criteria provided, single submitter. Criteria: CeGaT Center For Human Genetics Tuebingen Variant Classification Criteria Version 2. Collection method: clinical testing. Allele origin: germline. Affected: yes. Observed: 1 variant allele.
Comment: OTOF: PM2

NM_194248.3(OTOF):c.5821G>C (p.Asp1941His)

Gene: OTOF (otoferlin; minus strand). Cytogenetic location: 2p23.3.
Variant type: single nucleotide variant.
Coding change: c.5821G>C on transcript NM_194248.3 (MANE Select); coding-DNA position 5821, G replaced by C.
Protein change: p.Asp1941His; replaces aspartic acid 1941 with histidine.
Molecular consequence: missense variant. On other transcripts: intron variant (2).
Genome position (GRCh38, 1-based): chr2:26,460,198, C>G on the plus strand (G>C on the coding strand, the complement: OTOF is on the minus strand). VCF-style: chr2-26460198-C-G. GRCh37 (hg19) VCF-style: chr2-26683066-C-G.
Other names: c.3520G>C, p.Asp1174His (NM_004802.4); c.3751G>C, p.Asp1251His (NM_194322.3); c.5813+449G>C (NM_001287489.2); c.3512+449G>C (NM_194323.3); short protein forms D1174H, D1251H, D1941H.
Identifiers: ClinVar variation 3771963 (VCV003771963.13).